The following is an entry in ClinVar:

ClinVar aggregate classification (germline): Uncertain significance (1 of 4 stars; one submission).

Allele frequency attached by ClinVar (database versions not stated): gnomAD 0.00001; TOPMed 0.00001.

Submission:

Labcorp Genetics (formerly Invitae), Labcorp
Classification: Uncertain significance. Last evaluated: 2022-04-11. Review status: criteria provided, single submitter. Criteria: Invitae Variant Classification Sherloc (09022015). Collection method: clinical testing. Allele origin: germline.
Comment: This sequence change replaces histidine, which is basic and polar, with leucine, which is neutral and non-polar, at codon 537 of the CERKL protein (p.His537Leu). This variant is not present in population databases (gnomAD no frequency). This variant has not been reported in the literature in individuals affected with CERKL-related conditions. Algorithms developed to predict the effect of missense changes on protein structure and function (SIFT, PolyPhen-2, Align-GVGD) all suggest that this variant is likely to be tolerated. In summary, the available evidence is currently insufficient to determine the role of this variant in disease. Therefore, it has been classified as a Variant of Uncertain Significance.

NM_201548.5(CERKL):c.1532A>T (p.His511Leu)

Gene: CERKL (CERK like autophagy regulator; minus strand). Cytogenetic location: 2q31.3.
Variant type: single nucleotide variant.
Coding change: c.1532A>T on transcript NM_201548.5 (MANE Select); coding-DNA position 1532, A replaced by T.
Protein change: p.His511Leu; replaces histidine 511 with leucine.
Molecular consequence: missense variant. On other transcripts: non-coding transcript variant (2).
Genome position (GRCh38, 1-based): chr2:181,539,098, T>A on the plus strand (A>T on the coding strand, the complement: CERKL is on the minus strand). VCF-style: chr2-181539098-T-A. GRCh37 (hg19) VCF-style: chr2-182403825-T-A.
Other names: c.1610A>T, p.His537Leu (NM_001030311.3); c.1193A>T, p.His398Leu (NM_001030312.3); c.1325A>T, p.His442Leu (NM_001030313.3); c.*814A>T (NM_001030314.1, NM_001030315.1); c.1478A>T, p.His493Leu (NM_001160277.2); short protein forms H493L, H442L, H537L, H398L, H511L.
Identifiers: ClinVar variation 1972631 (VCV001972631.2), dbSNP rs755472414, ClinGen allele CA349732939.